The following is an entry in ClinVar:

NM_000426.4(LAMA2):c.554G>T (p.Arg185Leu)

Gene: LAMA2 (laminin subunit alpha 2; plus strand). Cytogenetic location: 6q22.33.
Variant type: single nucleotide variant.
Coding change: c.554G>T on transcript NM_000426.4 (MANE Select); coding-DNA position 554, G replaced by T.
Protein change: p.Arg185Leu; replaces arginine 185 with leucine.
Molecular consequence: missense variant.
Genome position (GRCh38, 1-based): chr6:129,098,330, G>T. VCF-style: chr6-129098330-G-T. GRCh37 (hg19) VCF-style: chr6-129419475-G-T.
Other names: c.554G>T, p.Arg185Leu (NM_001079823.2); short protein forms R185L.
Identifiers: ClinVar variation 1696133 (VCV001696133.3), dbSNP rs150586612, ClinGen allele CA365829371.

ClinVar aggregate classification (germline): Uncertain significance. Review status: criteria provided, multiple submitters, no conflicts (2 of 4 stars). 2 submissions from 2 submitters: Uncertain significance (2). Last evaluated 2022-05-03.

Conditions:
LAMA2-related muscular dystrophy (LAMA2-RD). Also called: Laminin alpha 2-related dystrophy. Identifiers: MedGen C5679788, MONDO:0100228.

Allele frequency attached by ClinVar (database versions not stated): gnomAD exomes 0.00001.
gnomAD v4.1: 5 of 1,613,858 alleles (0.00031%); highest among the groups gnomAD compares: South Asian, 0.0055%; no homozygotes.

Submissions (2):

Women's Health and Genetics/Laboratory Corporation of America, LabCorp
Classification: Uncertain significance. Last evaluated: 2022-05-03. Review status: criteria provided, single submitter. Criteria: LabCorp Variant Classification Summary - May 2015. Collection method: clinical testing. Allele origin: germline.

Labcorp Genetics (formerly Invitae), Labcorp
Classification: Uncertain significance for LAMA2-related muscular dystrophy. Last evaluated: 2022-04-13. Review status: criteria provided, single submitter. Criteria: Invitae Variant Classification Sherloc (09022015). Collection method: clinical testing. Allele origin: germline.
Comment: This sequence change replaces arginine, which is basic and polar, with leucine, which is neutral and non-polar, at codon 185 of the LAMA2 protein (p.Arg185Leu). This variant is present in population databases (no rsID available, gnomAD 0.006%). This variant has not been reported in the literature in individuals affected with LAMA2-related conditions. Advanced modeling of protein sequence and biophysical properties (such as structural, functional, and spatial information, amino acid conservation, physicochemical variation, residue mobility, and thermodynamic stability) performed at Invitae indicates that this missense variant is not expected to disrupt LAMA2 protein function. In summary, the available evidence is currently insufficient to determine the role of this variant in disease. Therefore, it has been classified as a Variant of Uncertain Significance.